The following is an entry in ClinVar:

ClinVar aggregate classification (germline): Uncertain significance. Review status: criteria provided, multiple submitters, no conflicts (2 of 4 stars). 2 submissions from 2 submitters: Uncertain significance (2). Last evaluated 2025-11-11.

Conditions:
Inborn genetic diseases. Identifiers: MedGen C0950123, MeSH D030342.
Fanconi anemia (FA). Also called: Fanconi's anemia. Identifiers: Orphanet 84, MedGen C0015625, MeSH D005199, MONDO:0019391.

Allele frequency attached by ClinVar (database versions not stated): TOPMed below 0.00001; gnomAD 0.00001.
gnomAD v4.1: 1 of 1,613,968 alleles (0.000062%); highest among the groups gnomAD compares: Non-Finnish European, 0.000085%; no homozygotes.

Submissions (2):

Ambry Genetics
Classification: Uncertain significance for Inborn genetic diseases. Last evaluated: 2025-11-11. Review status: criteria provided, single submitter. Criteria: Ambry Variant Classification Scheme 2023. Collection method: clinical testing. Allele origin: germline.
Comment: The p.L307I variant (also known as c.919C>A), located in coding exon 11 of the FANCA gene, results from a C to A substitution at nucleotide position 919. The leucine at codon 307 is replaced by isoleucine, an amino acid with highly similar properties. This amino acid position is conserved. In addition, this alteration is predicted to be tolerated by in silico analysis. Based on the available evidence, the clinical significance of this variant remains unclear.

Labcorp Genetics (formerly Invitae), Labcorp
Classification: Uncertain significance for Fanconi anemia. Last evaluated: 2022-08-02. Review status: criteria provided, single submitter. Criteria: Invitae Variant Classification Sherloc (09022015). Collection method: clinical testing. Allele origin: germline.
Comment: Advanced modeling of protein sequence and biophysical properties (such as structural, functional, and spatial information, amino acid conservation, physicochemical variation, residue mobility, and thermodynamic stability) performed at Invitae indicates that this missense variant is not expected to disrupt FANCA protein function. This variant has not been reported in the literature in individuals affected with FANCA-related conditions. This variant is not present in population databases (gnomAD no frequency). This sequence change replaces leucine, which is neutral and non-polar, with isoleucine, which is neutral and non-polar, at codon 307 of the FANCA protein (p.Leu307Ile). In summary, the available evidence is currently insufficient to determine the role of this variant in disease. Therefore, it has been classified as a Variant of Uncertain Significance.

NM_000135.4(FANCA):c.919C>A (p.Leu307Ile)

Gene: FANCA (FA complementation group A; minus strand). Cytogenetic location: 16q24.3.
Variant type: single nucleotide variant.
Coding change: c.919C>A on transcript NM_000135.4 (MANE Select); coding-DNA position 919, C replaced by A.
Protein change: p.Leu307Ile; replaces leucine 307 with isoleucine.
Molecular consequence: missense variant.
Genome position (GRCh38, 1-based): chr16:89,795,993, G>T on the plus strand (C>A on the coding strand, the complement: FANCA is on the minus strand). VCF-style: chr16-89795993-G-T. GRCh37 (hg19) VCF-style: chr16-89862401-G-T.
Other names: c.919C>A, p.Leu307Ile (NM_001286167.3); short protein forms L307I.
Identifiers: ClinVar variation 1714805 (VCV001714805.6), dbSNP rs1461342406, ClinGen allele CA397470302.